The following is an entry in ClinVar:

ClinVar aggregate classification (germline): Conflicting classifications of pathogenicity. Review status: criteria provided, conflicting classifications (1 of 4 stars). 2 submissions from 2 submitters: Uncertain significance (1); Likely benign (1). Last evaluated 2023-10-01.

Allele frequency attached by ClinVar (database versions not stated): gnomAD exomes 0.00022; TOPMed 0.00025; gnomAD 0.00027; ExAC 0.00030; ESP Exome Variant Server 0.00038.
gnomAD v4.1: 372 of 1,614,082 alleles (0.023%); highest among the groups gnomAD compares: Non-Finnish European, 0.013%; 2 homozygotes.

Submissions (2):

CeGaT Center for Human Genetics Tuebingen
Classification: Likely benign. Last evaluated: 2023-10-01. Review status: criteria provided, single submitter. Criteria: CeGaT Center For Human Genetics Tuebingen Variant Classification Criteria Version 2. Collection method: clinical testing. Allele origin: germline. Affected: yes. Observed: 1 variant allele.
Comment: UTRN: BS1

Ambry Genetics
Classification: Uncertain significance. Last evaluated: 2021-07-14. Review status: criteria provided, single submitter. Criteria: Ambry Variant Classification Scheme 2023. Collection method: clinical testing. Allele origin: germline.

NM_007124.3(UTRN):c.1447A>C (p.Met483Leu)

Gene: UTRN (utrophin; plus strand). Cytogenetic location: 6q24.2.
Variant type: single nucleotide variant.
Coding change: c.1447A>C on transcript NM_007124.3 (MANE Select); coding-DNA position 1447, A replaced by C.
Protein change: p.Met483Leu; replaces methionine 483 with leucine.
Molecular consequence: missense variant.
Genome position (GRCh38, 1-based): chr6:144,440,406, A>C. VCF-style: chr6-144440406-A-C. GRCh37 (hg19) VCF-style: chr6-144761542-A-C.
Other names: short protein forms M483L.
Identifiers: ClinVar variation 2376792 (VCV002376792.26), dbSNP rs142621533, ClinGen allele CA4032275.